The following is an entry in ClinVar:

NM_018109.4(MTPAP):c.461A>G (p.Lys154Arg)

Gene: MTPAP (mitochondrial poly(A) polymerase; minus strand). Cytogenetic location: 10p11.23.
Variant type: single nucleotide variant.
Coding change: c.461A>G on transcript NM_018109.4 (MANE Select); coding-DNA position 461, A replaced by G.
Protein change: p.Lys154Arg; replaces lysine 154 with arginine.
Molecular consequence: missense variant.
Genome position (GRCh38, 1-based): chr10:30,340,320, T>C on the plus strand (A>G on the coding strand, the complement: MTPAP is on the minus strand). VCF-style: chr10-30340320-T-C. GRCh37 (hg19) VCF-style: chr10-30629249-T-C.
Other names: short protein forms K154R.
Identifiers: ClinVar variation 1926702 (VCV001926702.5), dbSNP rs1387164552, ClinGen allele CA376427967.

ClinVar aggregate classification (germline): Uncertain significance (1 of 4 stars; one submission).

Allele frequency attached by ClinVar (database versions not stated): gnomAD exomes below 0.00001; TOPMed below 0.00001; gnomAD 0.00001.
gnomAD v4.1: 5 of 1,614,084 alleles (0.00031%); highest among the groups gnomAD compares: East Asian, 0.0022%; no homozygotes.

Submission:

Labcorp Genetics (formerly Invitae), Labcorp
Classification: Uncertain significance. Last evaluated: 2023-12-11. Review status: criteria provided, single submitter. Criteria: Invitae Variant Classification Sherloc (09022015). Collection method: clinical testing. Allele origin: germline.
Comment: This sequence change replaces lysine, which is basic and polar, with arginine, which is basic and polar, at codon 154 of the MTPAP protein (p.Lys154Arg). This variant is present in population databases (no rsID available, gnomAD 0.006%). This variant has not been reported in the literature in individuals affected with MTPAP-related conditions. ClinVar contains an entry for this variant (Variation ID: 1926702). Advanced modeling of protein sequence and biophysical properties (such as structural, functional, and spatial information, amino acid conservation, physicochemical variation, residue mobility, and thermodynamic stability) performed at Invitae indicates that this missense variant is not expected to disrupt MTPAP protein function with a negative predictive value of 80%. In summary, the available evidence is currently insufficient to determine the role of this variant in disease. Therefore, it has been classified as a Variant of Uncertain Significance.